The following is an entry in ClinVar:

NM_001113378.2(FANCI):c.2266T>G (p.Tyr756Asp)

Gene: FANCI (FA complementation group I; plus strand). Cytogenetic location: 15q26.1.
Variant type: single nucleotide variant.
Coding change: c.2266T>G on transcript NM_001113378.2 (MANE Select); coding-DNA position 2266, T replaced by G.
Protein change: p.Tyr756Asp; replaces tyrosine 756 with aspartic acid.
Molecular consequence: missense variant.
Genome position (GRCh38, 1-based): chr15:89,293,038, T>G. VCF-style: chr15-89293038-T-G. GRCh37 (hg19) VCF-style: chr15-89836269-T-G.
Other names: c.1987T>G, p.Tyr663Asp (NM_001376910.1); c.2266T>G, p.Tyr756Asp (NM_001376911.1, NM_018193.3); short protein forms Y756D, Y663D.
Identifiers: ClinVar variation 1358120 (VCV001358120.6), dbSNP rs752028405, ClinGen allele CA393749485.

ClinVar aggregate classification (germline): Uncertain significance (1 of 4 stars; one submission).

Conditions:
Fanconi anemia (FA). Also called: Fanconi's anemia. Identifiers: Orphanet 84, MedGen C0015625, MeSH D005199, MONDO:0019391.

Submission:

Labcorp Genetics (formerly Invitae), Labcorp
Classification: Uncertain significance for Fanconi anemia. Last evaluated: 2024-02-17. Review status: criteria provided, single submitter. Criteria: Invitae Variant Classification Sherloc (09022015). Collection method: clinical testing. Allele origin: germline.
Comment: This sequence change replaces tyrosine, which is neutral and polar, with aspartic acid, which is acidic and polar, at codon 756 of the FANCI protein (p.Tyr756Asp). This variant is not present in population databases (gnomAD no frequency). This variant has not been reported in the literature in individuals affected with FANCI-related conditions. ClinVar contains an entry for this variant (Variation ID: 1358120). Advanced modeling of protein sequence and biophysical properties (such as structural, functional, and spatial information, amino acid conservation, physicochemical variation, residue mobility, and thermodynamic stability) performed at Invitae indicates that this missense variant is expected to disrupt FANCI protein function with a positive predictive value of 80%. In summary, the available evidence is currently insufficient to determine the role of this variant in disease. Therefore, it has been classified as a Variant of Uncertain Significance.